The following is an entry in ClinVar:

ClinVar aggregate classification (germline): Pathogenic (1 of 4 stars; one submission).

Conditions:
Sjögren-Larsson syndrome (SLS). Also called: FALDH DEFICIENCY; FATTY ALCOHOL:NAD+ OXIDOREDUCTASE DEFICIENCY; FATTY ALDEHYDE DEHYDROGENASE DEFICIENCY; ICHTHYOSIS, SPASTIC NEUROLOGIC DISORDER, AND OLIGOPHRENIA. Identifiers: Orphanet 816, MedGen C0037231, MONDO:0010031, OMIM 270200.

Submission:

Myriad Genetics, Inc.
Classification: Pathogenic for Sjögren-Larsson syndrome. Last evaluated: 2025-08-19. Review status: criteria provided, single submitter. Criteria: Myriad Autosomal Dominant, Autosomal Recessive and X-Linked Classification Criteria (2023). Collection method: clinical testing. Allele origin: unknown.
Comment: NM_000382.2(ALDH3A2):c.1013delC(P338Qfs*2) is expected to be pathogenic in the context of Sjogren-Larsson syndrome. This variant is predicted to lead to an abnormal or absent protein product due to the creation of a premature termination codon in ALDH3A2, a gene where loss-of-function variants are known to be pathogenic. Please note: this variant was assessed in the context of healthy population screening.

NM_000382.3(ALDH3A2):c.1013del (p.Pro338fs)

Gene: ALDH3A2 (aldehyde dehydrogenase 3 family member A2; plus strand). Cytogenetic location: 17p11.2.
Variant type: Deletion.
Coding change: c.1013del on transcript NM_000382.3 (MANE Select); coding-DNA position 1013, one base deleted (C; older notation c.1013delC).
Protein change: p.Pro338fs; shifts the reading frame from proline 338.
Molecular consequence: frameshift variant.
Genome position (GRCh38, 1-based): chr17:19,663,405, C deleted; the last of 2 consecutive C bases (chr17:19,663,404-19,663,405); deleting either gives the same sequence. VCF-style (leftmost placement, unchanged base first): chr17-19663403-TC-T. GRCh37 (hg19) VCF-style: chr17-19566716-TC-T.
Other names: c.1013del, p.Pro338fs (NM_001031806.2, NM_001369136.1, NM_001369137.2 and 3 more transcripts); c.434del, p.Pro145fs (NM_001369148.2); short protein forms P145fs, P338fs.
Identifiers: ClinVar variation 5014890 (VCV005014890.1).